The following is an entry in ClinVar:

ClinVar aggregate classification (germline): Uncertain significance (1 of 4 stars; one submission).

Allele frequency attached by ClinVar (database versions not stated): gnomAD 0.00001; gnomAD exomes below 0.00001; TOPMed below 0.00001.
gnomAD v4.1: 2 of 1,614,004 alleles (0.00012%); highest among the groups gnomAD compares: East Asian, 0.0022%; no homozygotes.

Submission:

GeneDx
Classification: Uncertain significance. Last evaluated: 2024-09-28. Review status: criteria provided, single submitter. Criteria: GeneDx Variant Classification Process June 2021. Collection method: clinical testing. Allele origin: germline.
Comment: Not observed at significant frequency in large population cohorts (gnomAD); In silico analysis supports that this missense variant has a deleterious effect on protein structure/function; Has not been previously published as pathogenic or benign to our knowledge

NM_005618.4(DLL1):c.556G>A (p.Glu186Lys)

Gene: DLL1 (delta like canonical Notch ligand 1; minus strand). Cytogenetic location: 6q27.
Variant type: single nucleotide variant.
Coding change: c.556G>A on transcript NM_005618.4 (MANE Select); coding-DNA position 556, G replaced by A.
Protein change: p.Glu186Lys; replaces glutamic acid 186 with lysine.
Molecular consequence: missense variant.
Genome position (GRCh38, 1-based): chr6:170,288,353, C>T on the plus strand (G>A on the coding strand, the complement: DLL1 is on the minus strand). VCF-style: chr6-170288353-C-T. GRCh37 (hg19) VCF-style: chr6-170597441-C-T.
Other names: short protein forms E186K.
Identifiers: ClinVar variation 2497932 (VCV002497932.2), dbSNP rs1243238981, ClinGen allele CA366509306.